The following is an entry in ClinVar:

ClinVar aggregate classification (germline): Benign. Review status: criteria provided, multiple submitters, no conflicts (2 of 4 stars). 2 submissions from 2 submitters: Benign (2). Last evaluated 2025-11-26.

Allele frequency attached by ClinVar (database versions not stated): gnomAD 0.00159 and 0.00175; TOPMed 0.00214; gnomAD exomes 0.00013; 1000 Genomes Project 30x 0.00250.
gnomAD v4.1: 441 of 1,612,266 alleles (0.027%); highest among the groups gnomAD compares: African/African-American, 0.5%; 1 homozygote.

Submissions (2):

Dasa
Classification: Benign. Last evaluated: 2025-11-26. Review status: criteria provided, single submitter. Criteria: DASA Assertion Criteria. Collection method: clinical testing. Allele origin: germline.
Comment: NM_001369786.1(KRAS):c.483A>G (p.Arg161=) is a synonymous variant predicted not to alter the encoded amino acid sequence. Population frequency is inconsistent with a disease-causing role for this variant, observations in unaffected individuals support a benign interpretation, and the variant context is inconsistent with a known disease-causing mechanism. Therefore, based on the currently available evidence, this variant is classified as benign.

Laboratory for Molecular Medicine, Mass General Brigham Personalized Medicine
Classification: Benign. Last evaluated: 2012-07-31. Review status: criteria provided, single submitter. Criteria: LMM Criteria. Collection method: clinical testing. Allele origin: germline. Observed: 4 variant alleles.
Comment: Arg161Arg in exon 5 of KRAS: This variant is not expected to have clinical signi ficance because it does not alter an amino acid residue, is not located within t he splice consensus sequence, and it has been identified in 0.4% (19/4406) of Af rican American chromosomes from a broad population by the NHLBI Exome Sequencing Project (dbSNP rs4362222)

Literature cited by the submitters: PubMed 18470943 (cited by Laboratory for Molecular Medicine, Mass General Brigham Personalized Medicine).

NM_004985.5(KRAS):c.451-5617A>G

Gene: KRAS (KRas proto-oncogene, GTPase; minus strand). Cytogenetic location: 12p12.1.
Variant type: single nucleotide variant.
Coding change: c.451-5617A>G on transcript NM_004985.5 (MANE Select); 5617 bases into the intron before coding-DNA position 451, A replaced by G.
Molecular consequence: intron variant. On other transcripts: synonymous variant (2).
Genome position (GRCh38, 1-based): chr12:25,215,528, T>C on the plus strand (A>G on the coding strand, the complement: KRAS is on the minus strand). VCF-style: chr12-25215528-T-C. GRCh37 (hg19) VCF-style: chr12-25368462-C-C.
Other names: c.483A>G, p.Arg161= (NM_001369786.1, NM_033360.4, LRG_344t2); c.451-5617A>G (NM_001369787.1, LRG_344t1).
Identifiers: ClinVar variation 163759 (VCV000163759.6), dbSNP rs4362222, ClinGen allele CA176486.